The following is an entry in ClinVar:

ClinVar aggregate classification (germline): Uncertain significance. Review status: criteria provided, multiple submitters, no conflicts (2 of 4 stars). 4 submissions from 4 submitters: Uncertain significance (4). Last evaluated 2026-01-26.

Conditions:
Cardiovascular phenotype. Identifiers: MedGen CN230736.
Walker-Warburg congenital muscular dystrophy. Also called: Muscular dystrophy-dystroglycanopathy, type A; Walker-Warburg syndrome. Identifiers: Orphanet 899, MedGen C0265221, MONDO:0000171.

Allele frequency attached by ClinVar (database versions not stated): gnomAD exomes 0.00001.
gnomAD v4.1: 3 of 1,612,434 alleles (0.00019%); highest among the groups gnomAD compares: Non-Finnish European, 0.00025%; no homozygotes.

Submissions (4):

GeneDx
Classification: Uncertain significance. Last evaluated: 2026-01-26. Review status: criteria provided, single submitter. Criteria: GeneDx Variant Classification Process June 2021. Collection method: clinical testing. Allele origin: germline. Affected: yes.
Comment: Has not been previously published as pathogenic or benign to our knowledge; Not observed at significant frequency in large population cohorts (gnomAD); In silico analysis suggests that this missense variant does not alter protein structure/function

Women's Health and Genetics/Laboratory Corporation of America, LabCorp
Classification: Uncertain significance. Last evaluated: 2025-11-01. Review status: criteria provided, single submitter. Criteria: LabCorp Variant Classification Summary - May 2015. Collection method: clinical testing. Allele origin: germline.

Ambry Genetics
Classification: Uncertain significance for Cardiovascular phenotype. Last evaluated: 2024-07-15. Review status: criteria provided, single submitter. Criteria: Ambry Variant Classification Scheme 2023. Collection method: clinical testing. Allele origin: germline.
Comment: The p.A130V variant (also known as c.389C>T), located in coding exon 4 of the FKTN gene, results from a C to T substitution at nucleotide position 389. The alanine at codon 130 is replaced by valine, an amino acid with similar properties. This amino acid position is conserved. In addition, the in silico prediction for this alteration is inconclusive. Since supporting evidence is limited at this time, the clinical significance of this alteration remains unclear.

Labcorp Genetics (formerly Invitae), Labcorp
Classification: Uncertain significance for Walker-Warburg congenital muscular dystrophy. Last evaluated: 2022-05-05. Review status: criteria provided, single submitter. Criteria: Invitae Variant Classification Sherloc (09022015). Collection method: clinical testing. Allele origin: germline.
Comment: This sequence change replaces alanine, which is neutral and non-polar, with valine, which is neutral and non-polar, at codon 130 of the FKTN protein (p.Ala130Val). This variant is present in population databases (rs752196884, gnomAD 0.002%). This variant has not been reported in the literature in individuals affected with FKTN-related conditions. Algorithms developed to predict the effect of missense changes on protein structure and function are either unavailable or do not agree on the potential impact of this missense change (SIFT: "Tolerated"; PolyPhen-2: "Benign"; Align-GVGD: "Class C25"). In summary, the available evidence is currently insufficient to determine the role of this variant in disease. Therefore, it has been classified as a Variant of Uncertain Significance.

NM_001079802.2(FKTN):c.389C>T (p.Ala130Val)

Gene: FKTN (fukutin; plus strand). Cytogenetic location: 9q31.2.
Variant type: single nucleotide variant.
Coding change: c.389C>T on transcript NM_001079802.2 (MANE Select); coding-DNA position 389, C replaced by T.
Protein change: p.Ala130Val; replaces alanine 130 with valine.
Molecular consequence: missense variant. On other transcripts: 5 prime UTR variant (4), non-coding transcript variant (2).
Genome position (GRCh38, 1-based): chr9:105,604,234, C>T. VCF-style: chr9-105604234-C-T. GRCh37 (hg19) VCF-style: chr9-108366515-C-T.
Other names: c.389C>T, p.Ala130Val (NM_001198963.2, NM_001351496.2, NM_001351498.2 and 1 more transcripts); c.320C>T, p.Ala107Val (NM_001351497.2); c.-8C>T (NM_001351499.2, NM_001351500.2, NM_001351501.2 and 1 more transcripts); short protein forms A130V, A107V.
Identifiers: ClinVar variation 1371170 (VCV001371170.9), dbSNP rs752196884, ClinGen allele CA197437433.
Genomic context (GRCh38, chr9:105,604,234, plus strand): 5'-TAAGTGTTGTTTCTTGATGTTTGATGCTTCTTTGGTTCTAGGAAGGCTGGTTTCGGATAG[C>T]TGAGAATATGGGATTTCAGTGCCTAAAGATTGAGAGTAAAGATCCCCGGCTAGACGGGAT-3'
Protein context (NP_001073270.1, residues 120-140): WKNEEGWFRI[Ala130Val]ENMGFQCLKI